The following is an entry in ClinVar:

NM_182961.4(SYNE1):c.18779T>A (p.Ile6260Asn)

Gene: SYNE1 (spectrin repeat containing nuclear envelope protein 1; minus strand). Cytogenetic location: 6q25.2.
Variant type: single nucleotide variant.
Coding change: c.18779T>A on transcript NM_182961.4 (MANE Select); coding-DNA position 18779, T replaced by A.
Protein change: p.Ile6260Asn; replaces isoleucine 6260 with asparagine.
Molecular consequence: missense variant.
Genome position (GRCh38, 1-based): chr6:152,268,092, A>T on the plus strand (T>A on the coding strand, the complement: SYNE1 is on the minus strand). VCF-style: chr6-152268092-A-T. GRCh37 (hg19) VCF-style: chr6-152589227-A-T.
Other names: c.18566T>A, p.Ile6189Asn (NM_033071.5); short protein forms I6189N, I6260N.
Identifiers: ClinVar variation 2684039 (VCV002684039.1), dbSNP rs2551901945, ClinGen allele CA366091551.
Genomic context (GRCh38, chr6:152,268,092, plus strand): 5'-AAATGGAAGCATTTTGAAACATACCCAGCATCACCAGAGGTCTCTGCCGCCGAATGTTGA[A>T]TTAGAATCTCCTCTCCACGACTGGCTACTGAGCGAAGGAGACTCTTCTGCTCGGCTAATT-3'
Protein context (NP_892006.3, residues 6250-6270): SVASRGEEIL[Ile6260Asn]QHSAAETSGD

ClinVar aggregate classification (germline): Uncertain significance (1 of 4 stars; one submission).

Submission:

Athena Diagnostics
Classification: Uncertain significance. Last evaluated: 2023-04-27. Review status: criteria provided, single submitter. Criteria: Athena Diagnostics Criteria. Collection method: clinical testing. Allele origin: unknown.
Comment: Available data are insufficient to determine the clinical significance of the variant at this time. This variant has not been reported in large, multi-ethnic general populations. Computational tools predict that this variant is not damaging.